The following is an entry in ClinVar:

ClinVar aggregate classification (germline): Likely benign (1 of 4 stars; one submission).

Submission:

CeGaT Center for Human Genetics Tuebingen
Classification: Likely benign. Last evaluated: 2026-02-01. Review status: criteria provided, single submitter. Criteria: CeGaT Center For Human Genetics Tuebingen Variant Classification Criteria Version 2. Collection method: clinical testing. Allele origin: germline. Affected: yes. Observed: 1 variant allele.
Comment: CYC1: BP4, BP7

NM_001916.5(CYC1):c.768C>T (p.Asp256=)

Gene: CYC1 (cytochrome c1; plus strand). Cytogenetic location: 8q24.3.
Variant type: single nucleotide variant.
Coding change: c.768C>T on transcript NM_001916.5 (MANE Select); coding-DNA position 768, C replaced by T.
Protein change: p.Asp256=; no amino-acid change (aspartic acid 256 retained).
Molecular consequence: synonymous variant.
Genome position (GRCh38, 1-based): chr8:144,096,740, C>T. VCF-style: chr8-144096740-C-T. GRCh37 (hg19) VCF-style: chr8-145151643-C-T.
Identifiers: ClinVar variation 3898468 (VCV003898468.7).